The following is an entry in ClinVar:

ClinVar aggregate classification (germline): Uncertain significance (1 of 4 stars; one submission).

Conditions:
Epidermolysis bullosa simplex 3, localized or generalized intermediate, with BP230 deficiency (EBS3). Also called: Epidermolysis bullosa simplex, autosomal recessive 2; Epidermolysis bullosa simplex due to BP230 deficiency. Identifiers: Orphanet 412181, MedGen C3809470, MONDO:0014180, OMIM 615425.
Hereditary sensory and autonomic neuropathy type 6. Also called: HSAN VI; Neuropathy, hereditary sensory and autonomic, type VI. Identifiers: Orphanet 314381, MedGen C3539003, MONDO:0013839, OMIM 614653.

gnomAD v4.1: 5 of 1,614,084 alleles (0.00031%); highest among the groups gnomAD compares: Non-Finnish European, 0.00042%; no homozygotes.

Submission:

Labcorp Genetics (formerly Invitae), Labcorp
Classification: Uncertain significance for Epidermolysis bullosa simplex 3, localized or generalized intermediate, with BP230 deficiency; Hereditary sensory and autonomic neuropathy type 6. Last evaluated: 2025-07-22. Review status: criteria provided, single submitter. Criteria: Invitae Variant Classification Sherloc (09022015). Collection method: clinical testing. Allele origin: germline.
Comment: This sequence change replaces tyrosine, which is neutral and polar, with aspartic acid, which is acidic and polar, at codon 2498 of the DST protein (p.Tyr2498Asp). This variant is present in population databases (no rsID available, gnomAD 0.007%). This variant has not been reported in the literature in individuals affected with DST-related conditions. An algorithm developed to predict the effect of missense changes on protein structure and function (PolyPhen-2) suggests that this variant is likely to be tolerated. In summary, the available evidence is currently insufficient to determine the role of this variant in disease. Therefore, it has been classified as a Variant of Uncertain Significance.

NM_001723.7(DST):c.7492T>G (p.Tyr2498Asp)

Gene: DST (dystonin; minus strand). Cytogenetic location: 6p12.1.
Variant type: single nucleotide variant.
Coding change: c.7492T>G on transcript NM_001723.7 (MANE Plus Clinical); coding-DNA position 7492, T replaced by G.
Protein change: p.Tyr2498Asp; replaces tyrosine 2498 with aspartic acid.
Molecular consequence: missense variant. On other transcripts: intron variant (10).
Genome position (GRCh38, 1-based): chr6:56,615,975, A>C on the plus strand (T>G on the coding strand, the complement: DST is on the minus strand). VCF-style: chr6-56615975-A-C. GRCh37 (hg19) VCF-style: chr6-56480773-A-C.
Other names: c.4831-1491T>G (NM_001144769.5); c.4930-1491T>G (NM_001374722.1, NM_001374736.1); c.4957-1491T>G (NM_001374734.1); c.4417-1491T>G (NM_001144770.2); c.4297-1491T>G (NM_001374730.1, NM_001386100.1, NM_183380.4 and 1 more transcripts); c.3319-1491T>G (NM_015548.5); short protein forms Y2498D.
Identifiers: ClinVar variation 4788643 (VCV004788643.1).